The following is an entry in ClinVar:

ClinVar aggregate classification (germline): Uncertain significance (1 of 4 stars; one submission).

Submission:

Labcorp Genetics (formerly Invitae), Labcorp
Classification: Uncertain significance. Last evaluated: 2023-05-19. Review status: criteria provided, single submitter. Criteria: Invitae Variant Classification Sherloc (09022015). Collection method: clinical testing. Allele origin: germline.
Comment: In summary, the available evidence is currently insufficient to determine the role of this variant in disease. Therefore, it has been classified as a Variant of Uncertain Significance. This variant has not been reported in the literature in individuals affected with ARID1B-related conditions. The frequency data for this variant in the population databases is considered unreliable, as metrics indicate poor data quality at this position in the gnomAD database. This variant, c.368_369insACA, results in the insertion of 1 amino acid(s) of the ARID1B protein (p.Gln131dup), but otherwise preserves the integrity of the reading frame.

NM_001374828.1(ARID1B):c.617_618insACA (p.Gln214_His215insGln)

Genes: ARID1B (AT-rich interaction domain 1B; plus strand), LOC115308161 (uncharacterized LOC115308161; minus strand). Cytogenetic location: 6q25.3.
Variant type: Insertion.
Coding change: c.617_618insACA on transcript NM_001374828.1 (MANE Select); coding-DNA positions 617 to 618, ACA inserted.
Protein change: p.Gln214_His215insGln.
Molecular consequence: inframe insertion. On other transcripts: non-coding transcript variant (1), inframe indel (3).
Genome position: GRCh38 VCF-style: chr6-156778295-G-GCAA. GRCh37 (hg19) VCF-style: chr6-157099429-G-GCAA.
Other names: c.368_369insACA, p.Gln131_His132insGln (NM_001346813.1, NM_020732.3); c.617_618insACA, p.Gln214_His215insGln (NM_001371656.1, NM_001374820.1, NM_017519.3); c.194_195insACA, p.Gln73_His74insGln (NM_175863.2).
Identifiers: ClinVar variation 2955117 (VCV002955117.3), dbSNP rs755601970, ClinGen allele CA571907147.